The following is an entry in ClinVar:

ClinVar aggregate classification (germline): Uncertain significance (1 of 4 stars; one submission).

Submission:

Labcorp Genetics (formerly Invitae), Labcorp
Classification: Uncertain significance. Last evaluated: 2024-08-01. Review status: criteria provided, single submitter. Criteria: Invitae Variant Classification Sherloc (09022015). Collection method: clinical testing. Allele origin: germline.
Comment: This sequence change replaces glycine, which is neutral and non-polar, with valine, which is neutral and non-polar, at codon 674 of the ROBO1 protein (p.Gly674Val). This variant is not present in population databases (gnomAD no frequency). This variant has not been reported in the literature in individuals affected with ROBO1-related conditions. An algorithm developed to predict the effect of missense changes on protein structure and function (PolyPhen-2) suggests that this variant is likely to be disruptive. In summary, the available evidence is currently insufficient to determine the role of this variant in disease. Therefore, it has been classified as a Variant of Uncertain Significance.

NM_002941.4(ROBO1):c.2021G>T (p.Gly674Val)

Gene: ROBO1 (roundabout guidance receptor 1; minus strand). Cytogenetic location: 3p12.3.
Variant type: single nucleotide variant.
Coding change: c.2021G>T on transcript NM_002941.4 (MANE Select); coding-DNA position 2021, G replaced by T.
Protein change: p.Gly674Val; replaces glycine 674 with valine.
Molecular consequence: missense variant.
Genome position (GRCh38, 1-based): chr3:78,662,060, C>A on the plus strand (G>T on the coding strand, the complement: ROBO1 is on the minus strand). VCF-style: chr3-78662060-C-A. GRCh37 (hg19) VCF-style: chr3-78711210-C-A.
Other names: c.1913G>T, p.Gly638Val (NM_001145845.2, NM_133631.4); short protein forms G674V, G638V.
Identifiers: ClinVar variation 3661199 (VCV003661199.2).